The following is an entry in ClinVar:

ClinVar aggregate classification (germline): Uncertain significance. Review status: criteria provided, multiple submitters, no conflicts (2 of 4 stars). 5 submissions from 5 submitters: Uncertain significance (5). Last evaluated 2026-01-31.

Conditions:
Isolated focal cortical dysplasia type II (FCORD2). Also called: CORTICAL DYSPLASIA OF TAYLOR; Focal cortical dysplasia type II. Identifiers: Orphanet 268994, MedGen C1846385, MONDO:0011818, OMIM 607341, HP:0032051.
Lymphangiomyomatosis (LAM). Also called: Lymphangioleiomyomatosis, somatic; Lymphangioleiomyomatosis. Identifiers: Orphanet 538, MedGen C0751674, MONDO:0011705, OMIM 606690.
Tuberous sclerosis 1 (TSC1). Identifiers: Orphanet 805, MedGen C1854465, MONDO:0008612, OMIM 191100.
Hereditary cancer-predisposing syndrome. Also called: Hereditary Cancer Syndrome; Neoplastic Syndromes, Hereditary; Tumor predisposition; Hereditary neoplastic syndrome. Identifiers: Orphanet 140162, MedGen C0027672, MeSH D009386, MONDO:0015356.
Tuberous sclerosis syndrome (TSC). Also called: Tuberous Sclerosis Complex; Tuberous sclerosis. Identifiers: Orphanet 805, MedGen C0041341, MONDO:0001734.

Allele frequency attached by ClinVar (database versions not stated): gnomAD exomes below 0.00001.

Submissions (5):

Labcorp Genetics (formerly Invitae), Labcorp
Classification: Uncertain significance for Tuberous sclerosis 1. Last evaluated: 2026-01-31. Review status: criteria provided, single submitter. Criteria: Invitae Variant Classification Sherloc (09022015). Collection method: clinical testing. Allele origin: germline.
Comment: This sequence change replaces aspartic acid, which is acidic and polar, with tyrosine, which is neutral and polar, at codon 746 of the TSC1 protein (p.Asp746Tyr). This variant is not present in population databases (gnomAD no frequency). This variant has not been reported in the literature in individuals affected with TSC1-related conditions. ClinVar contains an entry for this variant (Variation ID: 186515). Invitae Evidence Modeling of protein sequence and biophysical properties (such as structural, functional, and spatial information, amino acid conservation, physicochemical variation, residue mobility, and thermodynamic stability) indicates that this missense variant is not expected to disrupt TSC1 protein function with a negative predictive value of 95%. In summary, the available evidence is currently insufficient to determine the role of this variant in disease. Therefore, it has been classified as a Variant of Uncertain Significance.

Ambry Genetics
Classification: Uncertain significance for Hereditary cancer-predisposing syndrome. Last evaluated: 2023-11-22. Review status: criteria provided, single submitter. Criteria: Ambry Variant Classification Scheme 2023. Collection method: clinical testing. Allele origin: germline.
Comment: The p.D746Y variant (also known as c.2236G>T), located in coding exon 16 of the TSC1 gene, results from a G to T substitution at nucleotide position 2236. The aspartic acid at codon 746 is replaced by tyrosine, an amino acid with highly dissimilar properties. This amino acid position is well conserved in available vertebrate species. In addition, this alteration is predicted to be deleterious by in silico analysis. Since supporting evidence is limited at this time, the clinical significance of this alteration remains unclear.

All of Us Research Program, National Institutes of Health
Classification: Uncertain significance for Tuberous sclerosis syndrome. Last evaluated: 2023-09-17. Review status: criteria provided, single submitter. Criteria: ACMG Guidelines, 2015. Collection method: clinical testing. Allele origin: germline. Inheritance: Autosomal dominant inheritance. Observed: 1 variant allele, 1 heterozygote.
Comment: This missense variant replaces aspartic acid with tyrosine at codon 746 of the TSC1 protein. Computational prediction is inconclusive regarding the impact of this variant on protein structure and function (internally defined REVEL score threshold 0.5 < inconclusive < 0.7, PMID: 27666373). To our knowledge, functional studies have not been reported for this variant. This variant has not been reported in individuals affected with TSC1-related disorders in the literature. This variant has not been identified in the general population by the Genome Aggregation Database (gnomAD). The available evidence is insufficient to determine the role of this variant in disease conclusively. Therefore, this variant is classified as a Variant of Uncertain Significance.

This study involves interpretation of variants in research participants for the purpose of population health screening. Participant phenotype was not available at the time of variant classification. Additional details can be found in publication PMID: 35346344, PMCID: PMC8962531

Genome-Nilou Lab
Classification: Uncertain significance for Tuberous sclerosis 1. Last evaluated: 2021-11-07. Review status: criteria provided, single submitter. Criteria: ACMG Guidelines, 2015. Collection method: clinical testing. Allele origin: germline. Affected: no.

Fulgent Genetics
Classification: Uncertain significance for Tuberous sclerosis 1; Lymphangiomyomatosis; Isolated focal cortical dysplasia type II. Last evaluated: 2021-09-29. Review status: criteria provided, single submitter. Criteria: ACMG Guidelines, 2015. Collection method: clinical testing. Allele origin: unknown.

NM_000368.5(TSC1):c.2236G>T (p.Asp746Tyr)

Gene: TSC1 (TSC complex subunit 1; minus strand). Cytogenetic location: 9q34.13.
Variant type: single nucleotide variant.
Coding change: c.2236G>T on transcript NM_000368.5 (MANE Select); coding-DNA position 2236, G replaced by T.
Protein change: p.Asp746Tyr; replaces aspartic acid 746 with tyrosine.
Molecular consequence: missense variant.
Genome position (GRCh38, 1-based): chr9:132,902,760, C>A on the plus strand (G>T on the coding strand, the complement: TSC1 is on the minus strand). VCF-style: chr9-132902760-C-A. GRCh37 (hg19) VCF-style: chr9-135778147-C-A.
Other names: c.2233G>T, p.Asp745Tyr (NM_001162426.2); c.2083G>T, p.Asp695Tyr (NM_001162427.2); c.1873G>T, p.Asp625Tyr (NM_001362177.2); short protein forms D746Y, D625Y, D745Y, D695Y.
Identifiers: ClinVar variation 186515 (VCV000186515.17), dbSNP rs786203007, ClinGen allele CA006171.